The following is an entry in ClinVar:

NM_001283009.2(RTEL1):c.2237C>T (p.Ala746Val)

Genes: RTEL1 (regulator of telomere elongation helicase 1; plus strand), RTEL1-TNFRSF6B (RTEL1-TNFRSF6B readthrough (NMD candidate); plus strand). Cytogenetic location: 20q13.33.
Variant type: single nucleotide variant.
Coding change: c.2237C>T on transcript NM_001283009.2 (MANE Select); coding-DNA position 2237, C replaced by T.
Protein change: p.Ala746Val; replaces alanine 746 with valine.
Molecular consequence: missense variant. On other transcripts: non-coding transcript variant (1).
Genome position (GRCh38, 1-based): chr20:63,690,182, C>T. VCF-style: chr20-63690182-C-T. GRCh37 (hg19) VCF-style: chr20-62321535-C-T.
Other names: c.1568C>T, p.Ala523Val (NM_001283010.1); c.2237C>T, p.Ala746Val (NM_016434.4); c.2309C>T, p.Ala770Val (NM_032957.5); short protein forms A523V, A746V, A770V.
Identifiers: ClinVar variation 2191218 (VCV002191218.2), dbSNP rs2517139030, ClinGen allele CA409679971.

ClinVar aggregate classification (germline): Uncertain significance (1 of 4 stars; one submission).

Conditions:
Pulmonary fibrosis and/or bone marrow failure, Telomere-related, 3. Also called: PULMONARY FIBROSIS AND/OR BONE MARROW FAILURE SYNDROME, TELOMERE-RELATED, 3. Identifiers: Orphanet 2032, MedGen C4225346, MONDO:0014613, OMIM 616373.
Dyskeratosis congenita, autosomal recessive 5 (DKCB5). Identifiers: MedGen C3554656, MONDO:0014076, OMIM 615190.

Allele frequency attached by ClinVar (database versions not stated): gnomAD exomes below 0.00001.
gnomAD v4.1: 5 of 1,612,516 alleles (0.00031%); highest among the groups gnomAD compares: Non-Finnish European, 0.00042%; no homozygotes.

Submission:

Labcorp Genetics (formerly Invitae), Labcorp
Classification: Uncertain significance for Dyskeratosis congenita, autosomal recessive 5; Pulmonary fibrosis and/or bone marrow failure, Telomere-related, 3. Last evaluated: 2022-07-23. Review status: criteria provided, single submitter. Criteria: Invitae Variant Classification Sherloc (09022015). Collection method: clinical testing. Allele origin: germline.
Comment: In summary, the available evidence is currently insufficient to determine the role of this variant in disease. Therefore, it has been classified as a Variant of Uncertain Significance. Algorithms developed to predict the effect of missense changes on protein structure and function output the following: SIFT: "Tolerated"; PolyPhen-2: "Benign"; Align-GVGD: "Class C0". The valine amino acid residue is found in multiple mammalian species, which suggests that this missense change does not adversely affect protein function. This variant has not been reported in the literature in individuals affected with RTEL1-related conditions. This variant is not present in population databases (gnomAD no frequency). This sequence change replaces alanine, which is neutral and non-polar, with valine, which is neutral and non-polar, at codon 746 of the RTEL1 protein (p.Ala746Val).